The following is an entry in ClinVar:

NM_002382.5(MAX):c.-18C>T

Genes: MAX (MYC associated transcriptional regulator X; minus strand), LOC130055850 (ATAC-STARR-seq lymphoblastoid silent region 5847; plus strand). Cytogenetic location: 14q23.3.
Variant type: single nucleotide variant.
Coding change: c.-18C>T on transcript NM_002382.5 (MANE Select); 18 bases upstream of the start codon, C replaced by T.
Molecular consequence: 5 prime UTR variant.
Genome position (GRCh38, 1-based): chr14:65,102,357, G>A on the plus strand (C>T on the coding strand, the complement: MAX is on the minus strand). VCF-style: chr14-65102357-G-A. GRCh37 (hg19) VCF-style: chr14-65569075-G-A.
Other names: c.-18C>T (NM_001271068.2, NM_001271069.2, NM_145112.3 and 3 more transcripts); c.-292C>T (NM_001320415.2).
Identifiers: ClinVar variation 313820 (VCV000313820.6), dbSNP rs201456746, ClinGen allele CA7233041.

ClinVar aggregate classification (germline): Benign/Likely benign. Review status: criteria provided, multiple submitters, no conflicts (2 of 4 stars). 2 submissions from 2 submitters: Benign (1); Likely benign (1). Last evaluated 2024-11-05.

Conditions:
Pheochromocytoma. Also called: MAX-Related Hereditary Paraganglioma-Pheochromocytoma Syndrome. Identifiers: Orphanet 29072, MedGen C0031511, MONDO:0008233, OMIM 171300, HP:0002666.

Allele frequency attached by ClinVar (database versions not stated): ExAC 0.00006; gnomAD exomes 0.00007 and 0.00012; ESP Exome Variant Server 0.00008; gnomAD 0.00027; TOPMed 0.00027; 1000 Genomes Project 0.00060; 1000 Genomes Project 30x 0.00078.
gnomAD v4.1: 151 of 1,613,484 alleles (0.0094%); highest among the groups gnomAD compares: Admixed American, 0.08%; 1 homozygote.

Submissions (2):

Blueprint Genetics
Classification: Likely benign. Last evaluated: 2024-11-05. Review status: criteria provided, single submitter. Criteria: ACMG Guidelines, 2015. Collection method: clinical testing. Allele origin: germline.

Illumina Laboratory Services, Illumina
Classification: Benign for Pheochromocytoma. Last evaluated: 2018-01-13. Review status: criteria provided, single submitter. Criteria: ICSL Variant Classification Criteria 13 December 2019. Collection method: clinical testing. Allele origin: germline.
Comment: This variant was observed in the ICSL laboratory as part of a predisposition screen in an ostensibly healthy population. It had not been previously curated by ICSL or reported in the Human Gene Mutation Database (HGMD: prior to June 1st, 2018), and was therefore a candidate for classification through an automated scoring system. Utilizing variant allele frequency, disease prevalence and penetrance estimates, and inheritance mode, an automated score was calculated to assess if this variant is too frequent to cause the disease. Based on the score and internal cut-off values, a variant classified as benign is not then subjected to further curation. The score for this variant resulted in a classification of benign for this disease.